The following is an entry in ClinVar:

NM_001198800.3(ASCC1):c.544A>G (p.Ile182Val)

Gene: ASCC1 (activating signal cointegrator 1 complex subunit 1; minus strand). Cytogenetic location: 10q22.1.
Variant type: single nucleotide variant.
Coding change: c.544A>G on transcript NM_001198800.3 (MANE Select); coding-DNA position 544, A replaced by G.
Protein change: p.Ile182Val; replaces isoleucine 182 with valine.
Molecular consequence: missense variant. On other transcripts: non-coding transcript variant (1).
Genome position (GRCh38, 1-based): chr10:72,161,620, T>C on the plus strand (A>G on the coding strand, the complement: ASCC1 is on the minus strand). VCF-style: chr10-72161620-T-C. GRCh37 (hg19) VCF-style: chr10-73921378-T-C.
Other names: c.544A>G, p.Ile182Val (NM_001369094.1, NM_001369095.1, NM_001369096.1 and 18 more transcripts); c.610A>G, p.Ile204Val (NM_001369099.1, NM_001369085.1, NM_001369086.1); c.427A>G, p.Ile143Val (NM_001369101.1, NM_001369102.1, NM_001369105.1 and 2 more transcripts); c.628A>G, p.Ile210Val (NM_001198799.3); short protein forms I143V, I182V, I210V, I204V.
Identifiers: ClinVar variation 2039253 (VCV002039253.4), dbSNP rs770792014, ClinGen allele CA5548991.
Genomic context (GRCh38, chr10:72,161,620, plus strand): 5'-GCTGTAGCATCTCACATGTCTGCTGGATCTCTTCCTCACTCAAAAGCACCAACATCCCAA[T>C]AGTTAGATGAAGCTTTTTAGGATTCTGGAAAATGCTGCTGTCAACCCCATGATCCTGTTA-3'
Protein context (NP_001185729.1, residues 172-192): FQNPKKLHLT[Ile182Val]GMLVLLSEEE

ClinVar aggregate classification (germline): Uncertain significance (1 of 4 stars; one submission).

Allele frequency attached by ClinVar (database versions not stated): ExAC 0.00002.
gnomAD v4.1: 7 of 1,614,116 alleles (0.00043%); highest among the groups gnomAD compares: Non-Finnish European, 0.00059%; no homozygotes.

Submission:

Labcorp Genetics (formerly Invitae), Labcorp
Classification: Uncertain significance. Last evaluated: 2022-08-17. Review status: criteria provided, single submitter. Criteria: Invitae Variant Classification Sherloc (09022015). Collection method: clinical testing. Allele origin: germline.
Comment: Algorithms developed to predict the effect of missense changes on protein structure and function are either unavailable or do not agree on the potential impact of this missense change (SIFT: "Tolerated"; PolyPhen-2: "Possibly Damaging"; Align-GVGD: "Class C0"). This sequence change replaces isoleucine, which is neutral and non-polar, with valine, which is neutral and non-polar, at codon 182 of the ASCC1 protein (p.Ile182Val). This variant is present in population databases (rs770792014, gnomAD 0.007%). This variant has not been reported in the literature in individuals affected with ASCC1-related conditions. In summary, the available evidence is currently insufficient to determine the role of this variant in disease. Therefore, it has been classified as a Variant of Uncertain Significance.